The following is an entry in ClinVar:

NM_020812.4(DOCK6):c.1024-4G>A

Gene: DOCK6 (dedicator of cytokinesis 6; minus strand). Cytogenetic location: 19p13.2.
Variant type: single nucleotide variant.
Coding change: c.1024-4G>A on transcript NM_020812.4 (MANE Select); 4 bases into the intron before coding-DNA position 1024, G replaced by A.
Molecular consequence: intron variant.
Genome position (GRCh38, 1-based): chr19:11,243,886, C>T on the plus strand (G>A on the coding strand, the complement: DOCK6 is on the minus strand). VCF-style: chr19-11243886-C-T. GRCh37 (hg19) VCF-style: chr19-11354562-C-T.
Other names: c.1024-4G>A (NM_001367830.1).
Identifiers: ClinVar variation 2251980 (VCV002251980.5), dbSNP rs766279840, ClinGen allele CA305341785.
Genomic context (GRCh38, chr19:11,243,886, plus strand): 5'-CACCATGTAAGGCTCACAGCACTCACTGATGTCCCCTTGCTGAAGCACCTTCTCCAACTG[C>T]GGGGCAGATGAATGAATCCAGTGAGGCGCTGCCCGAACGCTCTGTTCCCCCGTGCTGGCT-3'

ClinVar aggregate classification (germline): Conflicting classifications of pathogenicity. Review status: criteria provided, conflicting classifications (1 of 4 stars). 2 submissions from 2 submitters: Uncertain significance (1); Likely benign (1). Last evaluated 2025-11-10.

Conditions:
Inborn genetic diseases. Identifiers: MedGen C0950123, MeSH D030342.

gnomAD v4.1: 5 of 1,605,588 alleles (0.00031%); highest among the groups gnomAD compares: Admixed American, 0.0017%; no homozygotes.

Submissions (2):

Labcorp Genetics (formerly Invitae), Labcorp
Classification: Likely benign. Last evaluated: 2025-11-10. Review status: criteria provided, single submitter. Criteria: Invitae Variant Classification Sherloc (09022015). Collection method: clinical testing. Allele origin: germline.

Ambry Genetics
Classification: Uncertain significance for Inborn genetic diseases. Last evaluated: 2021-10-21. Review status: criteria provided, single submitter. Criteria: Ambry Variant Classification Scheme 2023. Collection method: clinical testing. Allele origin: germline.
Comment: The c.1024-4G>A intronic alteration consists of a G to A substitution 4 nucleotides before exon 10 of the DOCK6 gene. Based on insufficient or conflicting evidence, the clinical significance of this alteration remains unclear.